The following is an entry in ClinVar:

NM_001211.6(BUB1B):c.1958A>G (p.Gln653Arg)

Gene: BUB1B (BUB1 mitotic checkpoint serine/threonine kinase B; plus strand). Cytogenetic location: 15q15.1.
Variant type: single nucleotide variant.
Coding change: c.1958A>G on transcript NM_001211.6 (MANE Select); coding-DNA position 1958, A replaced by G.
Protein change: p.Gln653Arg; replaces glutamine 653 with arginine.
Molecular consequence: missense variant.
Genome position (GRCh38, 1-based): chr15:40,206,407, A>G. VCF-style: chr15-40206407-A-G. GRCh37 (hg19) VCF-style: chr15-40498608-A-G.
Other names: short protein forms Q653R.
Identifiers: ClinVar variation 3993683 (VCV003993683.1).

ClinVar aggregate classification (germline): Uncertain significance (1 of 4 stars; one submission).

Conditions:
Inborn genetic diseases. Identifiers: MedGen C0950123, MeSH D030342.

gnomAD v4.1: 1 of 1,614,120 alleles (0.000062%); highest among the groups gnomAD compares: Non-Finnish European, 0.000085%; no homozygotes.

Submission:

Ambry Genetics
Classification: Uncertain significance for Inborn genetic diseases. Last evaluated: 2025-04-10. Review status: criteria provided, single submitter. Criteria: Ambry Variant Classification Scheme 2023. Collection method: clinical testing. Allele origin: germline.
Comment: The p.Q653R variant (also known as c.1958A>G), located in coding exon 15 of the BUB1B gene, results from an A to G substitution at nucleotide position 1958. The glutamine at codon 653 is replaced by arginine, an amino acid with highly similar properties. This amino acid position is conserved. In addition, this alteration is predicted to be tolerated by in silico analysis. Based on the available evidence, the clinical significance of this variant remains unclear.